The following is an entry in ClinVar:

NM_015450.3(POT1):c.1490C>T (p.Thr497Ile)

Gene: POT1 (protection of telomeres 1; minus strand). Cytogenetic location: 7q31.33.
Variant type: single nucleotide variant.
Coding change: c.1490C>T on transcript NM_015450.3 (MANE Select); coding-DNA position 1490, C replaced by T.
Protein change: p.Thr497Ile; replaces threonine 497 with isoleucine.
Molecular consequence: missense variant. On other transcripts: non-coding transcript variant (3).
Genome position (GRCh38, 1-based): chr7:124,835,294, G>A on the plus strand (C>T on the coding strand, the complement: POT1 is on the minus strand). VCF-style: chr7-124835294-G-A. GRCh37 (hg19) VCF-style: chr7-124475348-G-A.
Other names: c.1097C>T, p.Thr366Ile (NM_001042594.2); short protein forms T497I, T366I.
Identifiers: ClinVar variation 960173 (VCV000960173.13), dbSNP rs879897044, ClinGen allele CA369065434.

ClinVar aggregate classification (germline): Uncertain significance. Review status: criteria provided, multiple submitters, no conflicts (2 of 4 stars). 2 submissions from 2 submitters: Uncertain significance (2). Last evaluated 2025-09-20.

Conditions:
Hereditary cancer-predisposing syndrome. Also called: Tumor predisposition; Hereditary Cancer Syndrome; Neoplastic Syndromes, Hereditary; Hereditary neoplastic syndrome. Identifiers: Orphanet 140162, MedGen C0027672, MeSH D009386, MONDO:0015356.
Tumor predisposition syndrome 3 (TPDS3). Also called: Melanoma, cutaneous malignant, susceptibility to, 10; Glioma susceptibility 9; LONG TELOMERE SYNDROME, POT1-RELATED; POT1 Tumor Predisposition. Identifiers: Orphanet 618, MedGen C4014476, MONDO:0014368, OMIM 615848.

gnomAD v4.1: 1 of 1,613,904 alleles (0.000062%); highest among the groups gnomAD compares: Non-Finnish European, 0.000085%; no homozygotes.

Submissions (2):

Ambry Genetics
Classification: Uncertain significance for Hereditary cancer-predisposing syndrome. Last evaluated: 2025-09-20. Review status: criteria provided, single submitter. Criteria: Ambry Variant Classification Scheme 2023. Collection method: clinical testing. Allele origin: germline.
Comment: The p.T497I variant (also known as c.1490C>T), located in coding exon 11 of the POT1 gene, results from a C to T substitution at nucleotide position 1490. The threonine at codon 497 is replaced by isoleucine, an amino acid with similar properties. This amino acid position is poorly conserved in available vertebrate species. In addition, this alteration is predicted to be tolerated by in silico analysis. Since supporting evidence is limited at this time, the clinical significance of this alteration remains unclear.

Labcorp Genetics (formerly Invitae), Labcorp
Classification: Uncertain significance for Tumor predisposition syndrome 3. Last evaluated: 2021-06-06. Review status: criteria provided, single submitter. Criteria: Invitae Variant Classification Sherloc (09022015). Collection method: clinical testing. Allele origin: germline.
Comment: This sequence change replaces threonine with isoleucine at codon 497 of the POT1 protein (p.Thr497Ile). The threonine residue is weakly conserved and there is a moderate physicochemical difference between threonine and isoleucine. This variant is not present in population databases (ExAC no frequency). This variant has not been reported in the literature in individuals with POT1-related conditions. Algorithms developed to predict the effect of missense changes on protein structure and function (SIFT, PolyPhen-2, Align-GVGD) all suggest that this variant is likely to be tolerated, but these predictions have not been confirmed by published functional studies and their clinical significance is uncertain. In summary, the available evidence is currently insufficient to determine the role of this variant in disease. Therefore, it has been classified as a Variant of Uncertain Significance.